The following is an entry in ClinVar:

NM_001330574.2(ZNF711):c.1246+4A>T

Gene: ZNF711 (zinc finger protein 711; plus strand). Cytogenetic location: Xq21.1.
Variant type: single nucleotide variant.
Coding change: c.1246+4A>T on transcript NM_001330574.2 (MANE Select); 4 bases into the intron after coding-DNA position 1246, A replaced by T.
Molecular consequence: intron variant.
Genome position (GRCh38, 1-based): chrX:85,270,150, A>T. VCF-style: chrX-85270150-A-T. GRCh37 (hg19) VCF-style: chrX-84525156-A-T.
Other names: c.1246+4A>T (NM_001375433.1, NM_001375432.1, NM_001375431.1); c.1108+4A>T (NM_001375435.1, NM_001375436.1, NM_001375437.1 and 2 more transcripts).
Identifiers: ClinVar variation 1305783 (VCV001305783.2), dbSNP rs2147872645, ClinGen allele CA2573055414.

ClinVar aggregate classification (germline): Uncertain significance (1 of 4 stars; one submission).

gnomAD v4.1: 2 of 1,206,272 alleles (0.00017%); no homozygotes.

Submission:

GeneDx
Classification: Uncertain significance. Last evaluated: 2019-05-10. Review status: criteria provided, single submitter. Criteria: GeneDx Variant Classification Process June 2021. Collection method: clinical testing. Allele origin: germline. Affected: yes.
Comment: In-silico analysis, which includes splice predictors and evolutionary conservation, is inconclusive as to whether the variant alters gene splicing. In the absence of RNA/functional studies, the actual effect of this sequence change is unknown.; Not observed in large population cohorts (Lek et al., 2016); Has not been previously published as pathogenic or benign to our knowledge